The following is an entry in ClinVar:

NM_024675.4(PALB2):c.2111T>G (p.Leu704Arg)

Gene: PALB2 (partner and localizer of BRCA2; minus strand). Cytogenetic location: 16p12.2.
Variant type: single nucleotide variant.
Coding change: c.2111T>G on transcript NM_024675.4 (MANE Select); coding-DNA position 2111, T replaced by G.
Protein change: p.Leu704Arg; replaces leucine 704 with arginine.
Molecular consequence: missense variant.
Genome position (GRCh38, 1-based): chr16:23,630,043, A>C on the plus strand (T>G on the coding strand, the complement: PALB2 is on the minus strand). VCF-style: chr16-23630043-A-C. GRCh37 (hg19) VCF-style: chr16-23641364-A-C.
Other names: short protein forms L704R.
Identifiers: ClinVar variation 460928 (VCV000460928.13), dbSNP rs1555460489, ClinGen allele CA395125775.
Genomic context (GRCh38, chr16:23,630,043, plus strand): 5'-CACATGTCTGTGGTAGGCCTGTCATTATCATCAGGCGCAACCGTATTTAAAGGAGTATAA[A>C]GTAATATGGATGAAGAAAGGCCCGTCTTTGTATGCTGGCTTTGCGAGTTTGGCCTTTTGG-3'
Protein context (NP_078951.2, residues 694-714): TKTGLSSSIL[Leu704Arg]YTPLNTVAPD

ClinVar aggregate classification (germline): Uncertain significance. Review status: criteria provided, multiple submitters, no conflicts (2 of 4 stars). 3 submissions from 3 submitters: Uncertain significance (3). Last evaluated 2025-01-17.

Conditions:
Hereditary cancer-predisposing syndrome. Also called: Neoplastic Syndromes, Hereditary; Hereditary Cancer Syndrome; Hereditary neoplastic syndrome; Tumor predisposition. Identifiers: Orphanet 140162, MedGen C0027672, MeSH D009386, MONDO:0015356.
Familial cancer of breast. Also called: BREAST CANCER, FAMILIAL; Hereditary breast cancer; hereditary breast carcinoma. Identifiers: Orphanet 227535, MedGen C0346153, MONDO:0016419, OMIM 114480. Disease mechanism: loss of function.

Submissions (3):

Labcorp Genetics (formerly Invitae), Labcorp
Classification: Uncertain significance for Familial cancer of breast. Last evaluated: 2025-01-17. Review status: criteria provided, single submitter. Criteria: Invitae Variant Classification Sherloc (09022015). Collection method: clinical testing. Allele origin: germline.
Comment: This sequence change replaces leucine, which is neutral and non-polar, with arginine, which is basic and polar, at codon 704 of the PALB2 protein (p.Leu704Arg). This variant is not present in population databases (gnomAD no frequency). This variant has not been reported in the literature in individuals affected with PALB2-related conditions. ClinVar contains an entry for this variant (Variation ID: 460928). Invitae Evidence Modeling of protein sequence and biophysical properties (such as structural, functional, and spatial information, amino acid conservation, physicochemical variation, residue mobility, and thermodynamic stability) indicates that this missense variant is expected to disrupt PALB2 protein function with a positive predictive value of 80%. In summary, the available evidence is currently insufficient to determine the role of this variant in disease. Therefore, it has been classified as a Variant of Uncertain Significance.

Baylor Genetics
Classification: Uncertain significance for Familial cancer of breast. Last evaluated: 2023-12-18. Review status: criteria provided, single submitter. Criteria: ACMG Guidelines, 2015. Collection method: clinical testing. Allele origin: unknown.

Ambry Genetics
Classification: Uncertain significance for Hereditary cancer-predisposing syndrome. Last evaluated: 2023-05-23. Review status: criteria provided, single submitter. Criteria: Ambry Variant Classification Scheme 2023. Collection method: clinical testing. Allele origin: germline.
Comment: The p.L704R variant (also known as c.2111T>G), located in coding exon 5 of the PALB2 gene, results from a T to G substitution at nucleotide position 2111. The leucine at codon 704 is replaced by arginine, an amino acid with dissimilar properties. This amino acid position is highly conserved in available vertebrate species. In addition, the in silico prediction for this alteration is inconclusive. Since supporting evidence is limited at this time, the clinical significance of this alteration remains unclear.